The following is an entry in ClinVar:

ClinVar aggregate classification (germline): Uncertain significance (1 of 4 stars; one submission).

Submission:

Women's Health and Genetics/Laboratory Corporation of America, LabCorp
Classification: Uncertain significance. Last evaluated: 2024-10-11. Review status: criteria provided, single submitter. Criteria: LabCorp Variant Classification Summary - May 2015. Collection method: clinical testing. Allele origin: germline.
Comment: Variant summary: ABCC8 c.94A>G (p.Asn32Asp) results in a conservative amino acid change in the encoded protein sequence. Three of five in-silico tools predict a damaging effect of the variant on protein function. The variant was absent in 244842 control chromosomes. The available data on variant occurrences in the general population are insufficient to allow any conclusion about variant significance. c.94A>G has been reported in the literature in an individual affected with Familial Hyperinsulinemic hypoglycemia; however, this individual also carries a KDM6A variant that may explain the Kabuki syndrome phenotype and early onset hypoglycemia (Rihani_2023). This report does not provide any conclusions about association of the variant with Familial Hyperinsulinism. To our knowledge, no experimental evidence demonstrating an impact on protein function has been reported. The following publication have been ascertained in the context of this evaluation (PMID: 36890748). No submitters have cited clinical-significance assessments for this variant to ClinVar. Based on the evidence outlined above, the variant was classified as uncertain significance.

Literature cited by the submitters: PubMed 36890748.

NM_000352.6(ABCC8):c.94A>G (p.Asn32Asp)

Gene: ABCC8 (ATP binding cassette subfamily C member 8; minus strand). Cytogenetic location: 11p15.1.
Variant type: single nucleotide variant.
Coding change: c.94A>G on transcript NM_000352.6 (MANE Select); coding-DNA position 94, A replaced by G.
Protein change: p.Asn32Asp; replaces asparagine 32 with aspartic acid.
Molecular consequence: missense variant. On other transcripts: non-coding transcript variant (1).
Genome position (GRCh38, 1-based): chr11:17,476,683, T>C on the plus strand (A>G on the coding strand, the complement: ABCC8 is on the minus strand). VCF-style: chr11-17476683-T-C. GRCh37 (hg19) VCF-style: chr11-17498230-T-C.
Other names: c.94A>G, p.Asn32Asp (NM_001287174.3, NM_001351295.2, NM_001351296.2 and 1 more transcripts); short protein forms N32D.
Identifiers: ClinVar variation 3384755 (VCV003384755.1).